The following is an entry in ClinVar:

NM_000064.4(C3):c.3086A>C (p.Asp1029Ala)

Gene: C3 (complement C3; minus strand). Cytogenetic location: 19p13.3.
Variant type: single nucleotide variant.
Coding change: c.3086A>C on transcript NM_000064.4 (MANE Select); coding-DNA position 3086, A replaced by C.
Protein change: p.Asp1029Ala; replaces aspartic acid 1029 with alanine.
Molecular consequence: missense variant.
Genome position (GRCh38, 1-based): chr19:6,694,499, T>G on the plus strand (A>C on the coding strand, the complement: C3 is on the minus strand). VCF-style: chr19-6694499-T-G. GRCh37 (hg19) VCF-style: chr19-6694510-T-G.
Other names: short protein forms D1029A.
Identifiers: ClinVar variation 4280179 (VCV004280179.1).

ClinVar aggregate classification (germline): Uncertain significance (1 of 4 stars; one submission).

Conditions:
Complement component 3 deficiency. Identifiers: Orphanet 280133, MedGen C3151071, MONDO:0013417, OMIM 613779.
C3 glomerulonephritis. Also called: Nephropathy due to CFHR5 Deficiency; C3 GLOMERULOPATHY 3. Identifiers: Orphanet 329931, MedGen C4055342, MONDO:0013892, OMIM 614809.
Atypical hemolytic-uremic syndrome. Identifiers: Orphanet 2134, MedGen C2931788, MONDO:0016244.

Submission:

Genomenon, Inc
Classification: Uncertain significance for Complement component 3 deficiency; C3 glomerulonephritis; Atypical hemolytic-uremic syndrome. Last evaluated: 2025-09-30. Review status: criteria provided, single submitter. Criteria: Genomenon Sequence Variant Interpretation Standards. Collection method: curation. Allele origin: germline. Affected: no.
Comment: C3 p.Asp1029Ala (c.3086A>C) is a missense variant that changes the amino acid at residue 1029 from Aspartic acid to Alanine. This variant has been reported in the published literature (PMID:20951140;27814381;20083651;21285368;11034390;28254726;25628052;15187133;20091675;17434528). It is absent or not present at a significant frequency in gnomAD. In conclusion, we classify C3 p.Asp1029Ala (c.3086A>C) as a variant of unknown significance.

Literature cited by the submitters: PubMed 20951140; PubMed 27814381; PubMed 20083651; PubMed 21285368; PubMed 11034390; PubMed 28254726; PubMed 25628052; PubMed 15187133; PubMed 20091675; PubMed 17434528.